The following is an entry in ClinVar:

ClinVar aggregate classification (germline): Uncertain significance (1 of 4 stars; one submission).

Conditions:
Hereditary cancer-predisposing syndrome. Also called: Neoplastic Syndromes, Hereditary; Tumor predisposition; Hereditary Cancer Syndrome; Hereditary neoplastic syndrome. Identifiers: Orphanet 140162, MedGen C0027672, MeSH D009386, MONDO:0015356.

Submission:

Ambry Genetics
Classification: Uncertain significance for Hereditary cancer-predisposing syndrome. Last evaluated: 2026-03-25. Review status: criteria provided, single submitter. Criteria: Ambry Variant Classification Scheme 2023. Collection method: clinical testing. Allele origin: germline.
Comment: The p.C1026S variant (also known as c.3076T>A), located in coding exon 26 of the TSC2 gene, results from a T to A substitution at nucleotide position 3076. The cysteine at codon 1026 is replaced by serine, an amino acid with dissimilar properties. This amino acid position is conserved. In addition, this alteration is predicted to be deleterious by in silico analysis. Based on the available evidence, the clinical significance of this alteration remains unclear.

NM_000548.5(TSC2):c.3076T>A (p.Cys1026Ser)

Gene: TSC2 (TSC complex subunit 2; plus strand). Cytogenetic location: 16p13.3.
Variant type: single nucleotide variant.
Coding change: c.3076T>A on transcript NM_000548.5 (MANE Select); coding-DNA position 3076, T replaced by A.
Protein change: p.Cys1026Ser; replaces cysteine 1026 with serine.
Molecular consequence: missense variant. On other transcripts: non-coding transcript variant (5).
Genome position (GRCh38, 1-based): chr16:2,079,141, T>A. VCF-style: chr16-2079141-T-A. GRCh37 (hg19) VCF-style: chr16-2129142-T-A.
Other names: c.2944T>A, p.Cys982Ser (NM_001077183.3, NM_001370404.1, NM_001406665.1); c.3076T>A, p.Cys1026Ser (NM_001114382.3); c.2836T>A, p.Cys946Ser (NM_001318827.2); c.2800T>A, p.Cys934Ser (NM_001318829.2); c.2344T>A, p.Cys782Ser (NM_001318831.2, NM_001406687.1, NM_001406688.1); c.2977T>A, p.Cys993Ser (NM_001318832.2); c.2947T>A, p.Cys983Ser (NM_001363528.2, NM_001370405.1, NM_021055.3); c.3073T>A, p.Cys1025Ser (NM_001406663.1, NM_001406664.1); and 18 more; short protein forms C1025S, C535S, C825S, C826S, C829S, C979S, C982S, C989S.
Identifiers: ClinVar variation 3329487 (VCV003329487.2).